The following is an entry in ClinVar:

NM_001040142.2(SCN2A):c.3738C>G (p.Asp1246Glu)

Gene: SCN2A (sodium voltage-gated channel alpha subunit 2; plus strand). Cytogenetic location: 2q24.3.
Variant type: single nucleotide variant.
Coding change: c.3738C>G on transcript NM_001040142.2 (MANE Select); coding-DNA position 3738, C replaced by G.
Protein change: p.Asp1246Glu; replaces aspartic acid 1246 with glutamic acid.
Molecular consequence: missense variant.
Genome position (GRCh38, 1-based): chr2:165,370,188, C>G. VCF-style: chr2-165370188-C-G. GRCh37 (hg19) VCF-style: chr2-166226698-C-G.
Other names: c.3738C>G, p.Asp1246Glu (NM_001040143.2, NM_001371246.1, NM_001371247.1 and 1 more transcripts); short protein forms D1246E.
Identifiers: ClinVar variation 1016869 (VCV001016869.9), dbSNP rs1359219743, ClinGen allele CA349027828.

ClinVar aggregate classification (germline): Uncertain significance (1 of 4 stars; one submission).

Conditions:
Seizures, benign familial infantile, 3 (BFIS3). Also called: Familial neonatal seizures; CONVULSIONS, BENIGN FAMILIAL INFANTILE, 3. Identifiers: Orphanet 140927, Orphanet 306, MedGen C1843140, MONDO:0011904, OMIM 607745.
Developmental and epileptic encephalopathy, 11 (DEE11). Also called: Early infantile epileptic encephalopathy 11. Identifiers: Orphanet 1934, MedGen C3150987, MONDO:0013388, OMIM 613721.

Submission:

Labcorp Genetics (formerly Invitae), Labcorp
Classification: Uncertain significance for Seizures, benign familial infantile, 3; Developmental and epileptic encephalopathy, 11. Last evaluated: 2020-08-02. Review status: criteria provided, single submitter. Criteria: Invitae Variant Classification Sherloc (09022015). Collection method: clinical testing. Allele origin: germline.
Comment: This sequence change replaces aspartic acid with glutamic acid at codon 1246 of the SCN2A protein (p.Asp1246Glu). The aspartic acid residue is highly conserved and there is a small physicochemical difference between aspartic acid and glutamic acid. This variant is not present in population databases (ExAC no frequency). This variant has not been reported in the literature in individuals with SCN2A-related conditions. Algorithms developed to predict the effect of missense changes on protein structure and function are either unavailable or do not agree on the potential impact of this missense change (SIFT: "Deleterious"; PolyPhen-2: "Probably Damaging"; Align-GVGD: "Class C0"). In summary, the available evidence is currently insufficient to determine the role of this variant in disease. Therefore, it has been classified as a Variant of Uncertain Significance.